The following is an entry in ClinVar:

ClinVar aggregate classification (germline): Pathogenic (1 of 4 stars; one submission).

Conditions:
Ehlers-Danlos syndrome, dermatosparaxis type. Also called: EDS VIIC; Dermatosparaxis; Ehlers-Danlos syndrome, type VII, autosomal recessive. Identifiers: Orphanet 1901, MedGen C2700425, MONDO:0009161, OMIM 225410.

Submission:

Myriad Genetics, Inc.
Classification: Pathogenic for Ehlers-Danlos syndrome, dermatosparaxis type. Last evaluated: 2024-05-14. Review status: criteria provided, single submitter. Criteria: Myriad Autosomal Dominant, Autosomal Recessive and X-Linked Classification Criteria (2023). Collection method: clinical testing. Allele origin: unknown.
Comment: NM_014244.4(ADAMTS2):c.83_84insATCA(P29Sfs*38) is expected to be pathogenic in the context of Ehlers-Danlos syndrome, ADAMTS2-related. This variant is predicted to lead to an abnormal or absent protein product due to the creation of a premature termination codon in ADAMTS2, a gene where loss-of-function variants are known to be pathogenic. Please note: this variant was assessed in the context of healthy population screening.

NM_014244.5(ADAMTS2):c.83_84insATCA (p.Pro29fs)

Gene: ADAMTS2 (ADAM metallopeptidase with thrombospondin type 1 motif 2; minus strand). Cytogenetic location: 5q35.3.
Variant type: Insertion.
Coding change: c.83_84insATCA on transcript NM_014244.5 (MANE Select); coding-DNA positions 83 to 84, ATCA inserted.
Protein change: p.Pro29fs; shifts the reading frame from proline 29.
Molecular consequence: frameshift variant.
Genome position: GRCh38 VCF-style: chr5-179345245-C-CTGAT. GRCh37 (hg19) VCF-style: chr5-178772246-C-CTGAT.
Other names: c.83_84insATCA, p.Pro29fs (NM_021599.4); short protein forms P29fs.
Identifiers: ClinVar variation 5010624 (VCV005010624.1).